The following is an entry in ClinVar:

ClinVar aggregate classification (germline): Uncertain significance (1 of 4 stars; one submission).

Conditions:
Intellectual disability, autosomal recessive 53 (NEDHSCA). Also called: GLYCOSYLPHOSPHATIDYLINOSITOL BIOSYNTHESIS DEFECT 13; Mental retardation, autosomal recessive 53; NEURODEVELOPMENTAL DISORDER WITH OR WITHOUT HYPOTONIA, SEIZURES, AND CEREBELLAR ATROPHY. Identifiers: Orphanet 488635, MedGen C4310794, MONDO:0014832, OMIM 616917.

Allele frequency attached by ClinVar (database versions not stated): TOPMed below 0.00001; ExAC 0.00001; gnomAD exomes 0.00005.

Submission:

Labcorp Genetics (formerly Invitae), Labcorp
Classification: Uncertain significance for Intellectual disability, autosomal recessive 53. Last evaluated: 2022-03-04. Review status: criteria provided, single submitter. Criteria: Invitae Variant Classification Sherloc (09022015). Collection method: clinical testing. Allele origin: germline.
Comment: In summary, the available evidence is currently insufficient to determine the role of this variant in disease. Therefore, it has been classified as a Variant of Uncertain Significance. Algorithms developed to predict the effect of missense changes on protein structure and function are either unavailable or do not agree on the potential impact of this missense change (SIFT: "Tolerated"; PolyPhen-2: "Possibly Damaging"; Align-GVGD: "Class C0"). This variant has not been reported in the literature in individuals affected with PIGG-related conditions. This variant is present in population databases (rs778309509, gnomAD 0.0009%). This sequence change replaces valine, which is neutral and non-polar, with alanine, which is neutral and non-polar, at codon 741 of the PIGG protein (p.Val741Ala).

NM_001127178.3(PIGG):c.2222T>C (p.Val741Ala)

Gene: PIGG (phosphatidylinositol glycan anchor biosynthesis class G (EMM blood group); plus strand). Cytogenetic location: 4p16.3.
Variant type: single nucleotide variant.
Coding change: c.2222T>C on transcript NM_001127178.3 (MANE Select); coding-DNA position 2222, T replaced by C.
Protein change: p.Val741Ala; replaces valine 741 with alanine.
Molecular consequence: missense variant. On other transcripts: non-coding transcript variant (10).
Genome position (GRCh38, 1-based): chr4:527,191, T>C. VCF-style: chr4-527191-T-C. GRCh37 (hg19) VCF-style: chr4-520980-T-C.
Other names: c.1955T>C, p.Val652Ala (NM_001289051.2, NM_001345986.2); c.1823T>C, p.Val608Ala (NM_001289052.2); c.1931T>C, p.Val644Ala (NM_001345987.2); c.1193T>C, p.Val398Ala (NM_001345988.2); c.689T>C, p.Val230Ala (NM_001345990.2, NM_001345991.2); c.1124T>C, p.Val375Ala (NM_001345994.2); c.2198T>C, p.Val733Ala (NM_017733.5); short protein forms V608A, V652A, V230A, V644A, V398A, V375A, V733A, V741A.
Identifiers: ClinVar variation 2165798 (VCV002165798.4), dbSNP rs778309509, ClinGen allele CA2793573.